The following is an entry in ClinVar:

ClinVar aggregate classification (germline): Uncertain significance (1 of 4 stars; one submission).

Allele frequency attached by ClinVar (database versions not stated): ExAC 0.00001; TOPMed 0.00001.
gnomAD v4.1: 10 of 1,613,926 alleles (0.00062%); highest among the groups gnomAD compares: South Asian, 0.0033%; no homozygotes.

Submission:

Labcorp Genetics (formerly Invitae), Labcorp
Classification: Uncertain significance. Last evaluated: 2022-03-18. Review status: criteria provided, single submitter. Criteria: Invitae Variant Classification Sherloc (09022015). Collection method: clinical testing. Allele origin: germline.
Comment: This sequence change replaces arginine, which is basic and polar, with histidine, which is basic and polar, at codon 732 of the ATP2B4 protein (p.Arg732His). The frequency data for this variant in the population databases is considered unreliable, as metrics indicate poor data quality at this position in the gnomAD database. This variant has not been reported in the literature in individuals affected with ATP2B4-related conditions. Algorithms developed to predict the effect of missense changes on protein structure and function are either unavailable or do not agree on the potential impact of this missense change (SIFT: "Deleterious"; PolyPhen-2: "Probably Damaging"; Align-GVGD: "Class C0"). In summary, the available evidence is currently insufficient to determine the role of this variant in disease. Therefore, it has been classified as a Variant of Uncertain Significance.

NM_001684.5(ATP2B4):c.2195G>A (p.Arg732His)

Gene: ATP2B4 (ATPase plasma membrane Ca2+ transporting 4; plus strand). Cytogenetic location: 1q32.1.
Variant type: single nucleotide variant.
Coding change: c.2195G>A on transcript NM_001684.5 (MANE Select); coding-DNA position 2195, G replaced by A.
Protein change: p.Arg732His; replaces arginine 732 with histidine.
Molecular consequence: missense variant.
Genome position (GRCh38, 1-based): chr1:203,712,123, G>A. VCF-style: chr1-203712123-G-A. GRCh37 (hg19) VCF-style: chr1-203681251-G-A.
Other names: c.2195G>A, p.Arg732His (NM_001001396.3, NM_001365783.2, NM_001365784.2); short protein forms R732H.
Identifiers: ClinVar variation 2085060 (VCV002085060.4), dbSNP rs773914510, ClinGen allele CA1341803.
Genomic context (GRCh38, chr1:203,712,123, plus strand): 5'-TTCTGACACCTGGGGATGACTTCCTGTGCTTAGAAGGCAAAGAATTCAACCGGCTCATCC[G>A]CAACGAGAAAGGCGAGGTGGGTCCTGGCTAGGGGGAACCAGGACCTCACCTGACAAGGAA-3'
Protein context (NP_001675.3, residues 722-742): LEGKEFNRLI[Arg732His]NEKGEVEQEK